The following is an entry in ClinVar:

NM_000038.6(APC):c.7748A>G (p.Lys2583Arg)

Gene: APC (APC regulator of Wnt signaling pathway; plus strand). Cytogenetic location: 5q22.2.
Variant type: single nucleotide variant.
Coding change: c.7748A>G on transcript NM_000038.6 (MANE Select); coding-DNA position 7748, A replaced by G.
Protein change: p.Lys2583Arg; replaces lysine 2583 with arginine.
Molecular consequence: missense variant.
Genome position (GRCh38, 1-based): chr5:112,843,342, A>G. VCF-style: chr5-112843342-A-G. GRCh37 (hg19) VCF-style: chr5-112179039-A-G.
Other names: c.7748A>G, p.Lys2583Arg (NM_001127510.3, NM_001354895.2); c.7694A>G, p.Lys2565Arg (NM_001127511.3); c.7802A>G, p.Lys2601Arg (NM_001354896.2); c.7778A>G, p.Lys2593Arg (NM_001354897.2); c.7673A>G, p.Lys2558Arg (NM_001354898.2); c.7664A>G, p.Lys2555Arg (NM_001354899.2); c.7625A>G, p.Lys2542Arg (NM_001354900.2); c.7571A>G, p.Lys2524Arg (NM_001354901.2); and 5 more; short protein forms K2555R, K2558R, K2583R, K2601R, K2423R, K2482R, K2492R, K2524R.
Identifiers: ClinVar variation 827238 (VCV000827238.9), dbSNP rs1456824429, ClinGen allele CA16038160.
Genomic context (GRCh38, chr5:112,843,342, plus strand): 5'-CTTGGAGAAGAACTGGAAGTTCATCTTCAATTCTTTCTGCTTCATCAGAATCCAGTGAAA[A>G]AGCAAAAAGTGAGGATGAAAAACATGTGAACTCTATTTCAGGAACCAAACAAAGTAAAGA-3'
Protein context (NP_000029.2, residues 2573-2593): ILSASSESSE[Lys2583Arg]AKSEDEKHVN

ClinVar aggregate classification (germline): Uncertain significance. Review status: criteria provided, multiple submitters, no conflicts (2 of 4 stars). 2 submissions from 2 submitters: Uncertain significance (2). Last evaluated 2024-05-01.

Conditions:
Familial adenomatous polyposis 1 (FAP1). Also called: POLYPOSIS, ADENOMATOUS INTESTINAL; FAMILIAL ADENOMATOUS POLYPOSIS 1, ATTENUATED. Identifiers: MedGen C2713442, MONDO:0021056, OMIM 175100. Disease mechanism: loss of function.
Hereditary cancer-predisposing syndrome. Also called: Neoplastic Syndromes, Hereditary; Tumor predisposition; Hereditary neoplastic syndrome; Hereditary Cancer Syndrome. Identifiers: Orphanet 140162, MedGen C0027672, MeSH D009386, MONDO:0015356.

Allele frequency attached by ClinVar (database versions not stated): TOPMed below 0.00001.

Submissions (2):

Ambry Genetics
Classification: Uncertain significance for Hereditary cancer-predisposing syndrome. Last evaluated: 2024-05-01. Review status: criteria provided, single submitter. Criteria: Ambry Variant Classification Scheme 2023. Collection method: clinical testing. Allele origin: germline.
Comment: The p.K2583R variant (also known as c.7748A>G), located in coding exon 15 of the APC gene, results from an A to G substitution at nucleotide position 7748. The lysine at codon 2583 is replaced by arginine, an amino acid with highly similar properties. Missense alterations in APC are not a common cause of disease (Spier I et al. Genet Med. 2024 Feb;26(2):100992). This amino acid position is highly conserved in available vertebrate species. In addition, in silico predictors for this gene do not accurately predict pathogenicity. Based on the available evidence, the clinical significance of this variant remains unclear.

Labcorp Genetics (formerly Invitae), Labcorp
Classification: Uncertain significance for Familial adenomatous polyposis 1. Last evaluated: 2022-07-20. Review status: criteria provided, single submitter. Criteria: Invitae Variant Classification Sherloc (09022015). Collection method: clinical testing. Allele origin: germline.
Comment: In summary, the available evidence is currently insufficient to determine the role of this variant in disease. Therefore, it has been classified as a Variant of Uncertain Significance. Algorithms developed to predict the effect of missense changes on protein structure and function are either unavailable or do not agree on the potential impact of this missense change (SIFT: "Tolerated"; PolyPhen-2: "Probably Damaging"; Align-GVGD: "Class C0"). ClinVar contains an entry for this variant (Variation ID: 827238). This variant has not been reported in the literature in individuals affected with APC-related conditions. This variant is not present in population databases (gnomAD no frequency). This sequence change replaces lysine, which is basic and polar, with arginine, which is basic and polar, at codon 2583 of the APC protein (p.Lys2583Arg).